The following is an entry in ClinVar:

ClinVar aggregate classification (germline): Benign/Likely benign. Review status: criteria provided, multiple submitters, no conflicts (2 of 4 stars). 4 submissions from 4 submitters: Benign (3); Likely benign (1). Last evaluated 2026-02-04.

Conditions:
Hydrocephalus, nonsyndromic, autosomal recessive 1 (HYC1). Also called: Hydrocephalus, nonsyndromic, autosomal recessive; Congenital hydrocephalus 1. Identifiers: Orphanet 2185, MedGen C3887608, MONDO:0009360, OMIM 236600.
Spinocerebellar ataxia type 40. Identifiers: Orphanet 423275, MedGen C4518336, MONDO:0014475, OMIM 616053.

Allele frequency attached by ClinVar (database versions not stated): 1000 Genomes Project 30x 0.01140; gnomAD exomes 0.00093; gnomAD 0.00882 and 0.00949; ESP Exome Variant Server 0.00955; TOPMed 0.01035; 1000 Genomes Project 0.01078.
gnomAD v4.1: 2,775 of 1,612,690 alleles (0.17%); highest among the groups gnomAD compares: African/African-American, 3.1%; 44 homozygotes.

Submissions (4):

Labcorp Genetics (formerly Invitae), Labcorp
Classification: Benign. Last evaluated: 2026-02-04. Review status: criteria provided, single submitter. Criteria: Invitae Variant Classification Sherloc (09022015). Collection method: clinical testing. Allele origin: germline.

Mayo Clinic Laboratories, Mayo Clinic
Classification: Benign. Last evaluated: 2023-11-06. Review status: criteria provided, single submitter. Criteria: ACMG Guidelines, 2015. Collection method: clinical testing. Allele origin: germline. Observed: 5 variant alleles.
Comment: BA1, BP4

Fulgent Genetics
Classification: Likely benign for Hydrocephalus, nonsyndromic, autosomal recessive 1; Spinocerebellar ataxia type 40. Last evaluated: 2022-05-18. Review status: criteria provided, single submitter. Criteria: ACMG Guidelines, 2015. Collection method: clinical testing. Allele origin: unknown.

Genetic Services Laboratory, University of Chicago
Classification: Benign. Last evaluated: 2013-04-08. Review status: criteria provided, single submitter. Criteria: ACMG Guidelines, 2007. Collection method: clinical testing. Allele origin: germline. Inheritance: Autosomal recessive inheritance.

NM_001080414.4(CCDC88C):c.2204G>A (p.Arg735His)

Gene: CCDC88C (coiled-coil and HOOK domain protein 88C; minus strand). Cytogenetic location: 14q32.11.
Variant type: single nucleotide variant.
Coding change: c.2204G>A on transcript NM_001080414.4 (MANE Select); coding-DNA position 2204, G replaced by A.
Protein change: p.Arg735His; replaces arginine 735 with histidine.
Molecular consequence: missense variant.
Genome position (GRCh38, 1-based): chr14:91,313,612, C>T on the plus strand (G>A on the coding strand, the complement: CCDC88C is on the minus strand). VCF-style: chr14-91313612-C-T. GRCh37 (hg19) VCF-style: chr14-91779956-C-T.
Other names: p.Arg735His; short protein forms R735H.
Identifiers: ClinVar variation 158095 (VCV000158095.17), dbSNP rs114142372, ClinGen allele CA171510.
Genomic context (GRCh38, chr14:91,313,612, plus strand): 5'-TCTGACTTCTTGCCCAGCGCCTTGAGCAGATCCACGTTCTTCCTCAGCTCCTCCTTCTCA[C>T]GCTCCAGCTGCTGGTTCTCCCTCTCCATCTGTGCCAGCTTGGTGCTGGTGAAGCGCATGG-3'
Protein context (NP_001073883.2, residues 725-745): QMERENQQLE[Arg735His]EKEELRKNVD